The following is an entry in ClinVar:

ClinVar aggregate classification (germline): Uncertain significance (1 of 4 stars; one submission).

Submission:

GeneDx
Classification: Uncertain significance. Last evaluated: 2022-04-01. Review status: criteria provided, single submitter. Criteria: GeneDx Variant Classification Process June 2021. Collection method: clinical testing. Allele origin: germline. Affected: yes.
Comment: Not observed at significant frequency in large population cohorts (gnomAD); In silico analysis supports that this missense variant does not alter protein structure/function; Has not been previously published as pathogenic or benign to our knowledge

NM_015021.3(ZNF292):c.2204C>A (p.Thr735Asn)

Gene: ZNF292 (zinc finger protein 292; plus strand). Cytogenetic location: 6q14.3.
Variant type: single nucleotide variant.
Coding change: c.2204C>A on transcript NM_015021.3 (MANE Select); coding-DNA position 2204, C replaced by A.
Protein change: p.Thr735Asn; replaces threonine 735 with asparagine.
Molecular consequence: missense variant.
Genome position (GRCh38, 1-based): chr6:87,255,833, C>A. VCF-style: chr6-87255833-C-A. GRCh37 (hg19) VCF-style: chr6-87965551-C-A.
Other names: c.1784C>A, p.Thr595Asn (NM_001351444.2); short protein forms T595N, T735N.
Identifiers: ClinVar variation 1707820 (VCV001707820.2), dbSNP rs2482297353, ClinGen allele CA364912354.